The following is an entry in ClinVar:

ClinVar aggregate classification (germline): Uncertain significance (1 of 4 stars; one submission).

Conditions:
Intellectual disability, autosomal recessive 53 (NEDHSCA). Also called: NEURODEVELOPMENTAL DISORDER WITH OR WITHOUT HYPOTONIA, SEIZURES, AND CEREBELLAR ATROPHY; GLYCOSYLPHOSPHATIDYLINOSITOL BIOSYNTHESIS DEFECT 13; Mental retardation, autosomal recessive 53. Identifiers: Orphanet 488635, MedGen C4310794, MONDO:0014832, OMIM 616917.

Submission:

Labcorp Genetics (formerly Invitae), Labcorp
Classification: Uncertain significance for Intellectual disability, autosomal recessive 53. Last evaluated: 2022-12-06. Review status: criteria provided, single submitter. Criteria: Invitae Variant Classification Sherloc (09022015). Collection method: clinical testing. Allele origin: germline.
Comment: This variant has not been reported in the literature in individuals affected with PIGG-related conditions. This variant is not present in population databases (gnomAD no frequency). This sequence change replaces tyrosine, which is neutral and polar, with histidine, which is basic and polar, at codon 923 of the PIGG protein (p.Tyr923His). ClinVar contains an entry for this variant (Variation ID: 1355370). In summary, the available evidence is currently insufficient to determine the role of this variant in disease. Therefore, it has been classified as a Variant of Uncertain Significance. Advanced modeling of protein sequence and biophysical properties (such as structural, functional, and spatial information, amino acid conservation, physicochemical variation, residue mobility, and thermodynamic stability) performed at Invitae indicates that this missense variant is expected to disrupt PIGG protein function.

NM_001127178.3(PIGG):c.2767T>C (p.Tyr923His)

Gene: PIGG (phosphatidylinositol glycan anchor biosynthesis class G (EMM blood group); plus strand). Cytogenetic location: 4p16.3.
Variant type: single nucleotide variant.
Coding change: c.2767T>C on transcript NM_001127178.3 (MANE Select); coding-DNA position 2767, T replaced by C.
Protein change: p.Tyr923His; replaces tyrosine 923 with histidine.
Molecular consequence: missense variant. On other transcripts: non-coding transcript variant (10).
Genome position (GRCh38, 1-based): chr4:539,184, T>C. VCF-style: chr4-539184-T-C. GRCh37 (hg19) VCF-style: chr4-532973-T-C.
Other names: c.2500T>C, p.Tyr834His (NM_001289051.2, NM_001345986.2); c.2368T>C, p.Tyr790His (NM_001289052.2); c.2476T>C, p.Tyr826His (NM_001345987.2); c.1738T>C, p.Tyr580His (NM_001345988.2); c.1234T>C, p.Tyr412His (NM_001345990.2, NM_001345991.2); c.1669T>C, p.Tyr557His (NM_001345994.2); c.2743T>C, p.Tyr915His (NM_017733.5); short protein forms Y412H, Y790H, Y915H, Y557H, Y826H, Y923H, Y580H, Y834H.
Identifiers: ClinVar variation 1355370 (VCV001355370.6), dbSNP rs2109073250, ClinGen allele CA355913126.